The following is an entry in ClinVar:

NM_004725.4(BUB3):c.871C>T (p.Leu291Phe)

Gene: BUB3 (BUB3 mitotic checkpoint protein; plus strand). Cytogenetic location: 10q26.13.
Variant type: single nucleotide variant.
Coding change: c.871C>T on transcript NM_004725.4 (MANE Select); coding-DNA position 871, C replaced by T.
Protein change: p.Leu291Phe; replaces leucine 291 with phenylalanine.
Molecular consequence: missense variant.
Genome position (GRCh38, 1-based): chr10:123,162,728, C>T. VCF-style: chr10-123162728-C-T. GRCh37 (hg19) VCF-style: chr10-124922244-C-T.
Other names: c.871C>T, p.Leu291Phe (NM_001007793.3); short protein forms L291F.
Identifiers: ClinVar variation 2563127 (VCV002563127.2), dbSNP rs2493767080, ClinGen allele CA378627100.

ClinVar aggregate classification (germline): Uncertain significance (1 of 4 stars; one submission).

Submission:

Ambry Genetics
Classification: Uncertain significance. Last evaluated: 2023-06-05. Review status: criteria provided, single submitter. Criteria: Ambry Variant Classification Scheme 2023. Collection method: clinical testing. Allele origin: germline.
Comment: The p.L291F variant (also known as c.871C>T), located in coding exon 6 of the BUB3 gene, results from a C to T substitution at nucleotide position 871. The leucine at codon 291 is replaced by phenylalanine, an amino acid with highly similar properties. This amino acid position is conserved. In addition, the in silico prediction for this alteration is inconclusive. Since supporting evidence is limited at this time, the clinical significance of this alteration remains unclear.